The following is an entry in ClinVar:

NM_014290.3(TDRD7):c.1869A>G (p.Ser623=)

Gene: TDRD7 (tudor domain containing 7; plus strand). Cytogenetic location: 9q22.33.
Variant type: single nucleotide variant.
Coding change: c.1869A>G on transcript NM_014290.3 (MANE Select); coding-DNA position 1869, A replaced by G.
Protein change: p.Ser623=; no amino-acid change (serine 623 retained).
Molecular consequence: synonymous variant.
Genome position (GRCh38, 1-based): chr9:97,472,420, A>G. VCF-style: chr9-97472420-A-G. GRCh37 (hg19) VCF-style: chr9-100234702-A-G.
Other names: c.1647A>G, p.Ser549= (NM_001302884.2).
Identifiers: ClinVar variation 364070 (VCV000364070.15), dbSNP rs115297535, ClinGen allele CA5146762.
Genomic context (GRCh38, chr9:97,472,420, plus strand): 5'-CTTTGCAGTGGAAATACTTGACAAAGCTGACATTCCACTTGTTGTTCTGTACGATACCTC[A>G]GGAGAAGATGATATCAATATCAATGCCACCTGCTTGAAGGCTATATGTGACAAGTCACTA-3'
Protein context (NP_055105.2, residues 613-633): DIPLVVLYDT[Ser623=]GEDDININAT

ClinVar aggregate classification (germline): Benign/Likely benign. Review status: criteria provided, multiple submitters, no conflicts (2 of 4 stars). 3 submissions from 3 submitters: Benign (2); Likely benign (1). Last evaluated 2025-09-05.

Conditions:
Cataract 36. Identifiers: MedGen C3151304, MONDO:0013484, OMIM 613887.

Allele frequency attached by ClinVar (database versions not stated): gnomAD exomes 0.00076 and 0.00211; ExAC 0.00261; 1000 Genomes Project 0.00639; 1000 Genomes Project 30x 0.00734; gnomAD 0.00820 and 0.00890; TOPMed 0.00936; ESP Exome Variant Server 0.01007.
gnomAD v4.1: 2,435 of 1,613,968 alleles (0.15%); highest among the groups gnomAD compares: African/African-American, 2.8%; 33 homozygotes.

Submissions (3):

Labcorp Genetics (formerly Invitae), Labcorp
Classification: Benign for Cataract 36. Last evaluated: 2025-09-05. Review status: criteria provided, single submitter. Criteria: Invitae Variant Classification Sherloc (09022015). Collection method: clinical testing. Allele origin: germline.

GeneDx
Classification: Likely benign. Last evaluated: 2021-06-01. Review status: criteria provided, single submitter. Criteria: GeneDx Variant Classification Process June 2021. Collection method: clinical testing. Allele origin: germline. Affected: yes.

Illumina Laboratory Services, Illumina
Classification: Benign for Cataract 36. Last evaluated: 2018-01-12. Review status: criteria provided, single submitter. Criteria: ICSL Variant Classification Criteria 13 December 2019. Collection method: clinical testing. Allele origin: germline.
Comment: This variant was observed in the ICSL laboratory as part of a predisposition screen in an ostensibly healthy population. It had not been previously curated by ICSL or reported in the Human Gene Mutation Database (HGMD: prior to June 1st, 2018), and was therefore a candidate for classification through an automated scoring system. Utilizing variant allele frequency, disease prevalence and penetrance estimates, and inheritance mode, an automated score was calculated to assess if this variant is too frequent to cause the disease. Based on the score and internal cut-off values, a variant classified as benign is not then subjected to further curation. The score for this variant resulted in a classification of benign for this disease.